The following is an entry in ClinVar:

NM_001029.5(RPS26):c.312G>A (p.Ala104=)

Gene: RPS26 (ribosomal protein S26; plus strand). Cytogenetic location: 12q13.2.
Variant type: single nucleotide variant.
Coding change: c.312G>A on transcript NM_001029.5 (MANE Select); coding-DNA position 312, G replaced by A.
Protein change: p.Ala104=; no amino-acid change (alanine 104 retained).
Molecular consequence: synonymous variant.
Genome position (GRCh38, 1-based): chr12:56,043,493, G>A. VCF-style: chr12-56043493-G-A. GRCh37 (hg19) VCF-style: chr12-56437277-G-A.
Other names: c.312G>A, p.Ala104= (LRG_1146t1).
Identifiers: ClinVar variation 651454 (VCV000651454.8), dbSNP rs145976784, ClinGen allele CA6621755.

ClinVar aggregate classification (germline): Uncertain significance. Review status: criteria provided, multiple submitters, no conflicts (2 of 4 stars). 2 submissions from 2 submitters: Uncertain significance (2). Last evaluated 2024-10-22.

Conditions:
Diamond-Blackfan anemia 10 (DBA10). Also called: RPS26-Related Diamond-Blackfan Anemia. Identifiers: Orphanet 124, MedGen C2750080, MONDO:0013217, OMIM 613309.

Allele frequency attached by ClinVar (database versions not stated): gnomAD exomes 0.00002; ExAC 0.00004; gnomAD 0.00008 and 0.00009; TOPMed 0.00009; ESP Exome Variant Server 0.00015.
gnomAD v4.1: 33 of 1,613,662 alleles (0.002%); highest among the groups gnomAD compares: African/African-American, 0.019%; no homozygotes.

Submissions (2):

Labcorp Genetics (formerly Invitae), Labcorp
Classification: Uncertain significance for Diamond-Blackfan anemia 10. Last evaluated: 2024-10-22. Review status: criteria provided, single submitter. Criteria: Invitae Variant Classification Sherloc (09022015). Collection method: clinical testing. Allele origin: germline.
Comment: This sequence change affects codon 104 of the RPS26 mRNA. It is a 'silent' change, meaning that it does not change the encoded amino acid sequence of the RPS26 protein. This variant also falls at the last nucleotide of exon 3, which is part of the consensus splice site for this exon. This variant is present in population databases (rs145976784, gnomAD 0.01%). This variant has not been reported in the literature in individuals affected with RPS26-related conditions. ClinVar contains an entry for this variant (Variation ID: 651454). Variants that disrupt the consensus splice site are a relatively common cause of aberrant splicing (PMID: 17576681, 9536098). Algorithms developed to predict the effect of sequence changes on RNA splicing suggest that this variant is not likely to affect RNA splicing. In summary, the available evidence is currently insufficient to determine the role of this variant in disease. Therefore, it has been classified as a Variant of Uncertain Significance.

Fulgent Genetics
Classification: Uncertain significance for Diamond-Blackfan anemia 10. Last evaluated: 2024-06-04. Review status: criteria provided, single submitter. Criteria: ACMG Guidelines, 2015. Collection method: clinical testing. Allele origin: germline.

Literature cited by the submitters: PubMed 17576681 (cited by Labcorp Genetics (formerly Invitae), Labcorp); PubMed 9536098 (cited by Labcorp Genetics (formerly Invitae), Labcorp).